The following is an entry in ClinVar:

NM_006371.5(CRTAP):c.170G>A (p.Gly57Asp)

Gene: CRTAP (cartilage associated protein; plus strand). Cytogenetic location: 3p22.3.
Variant type: single nucleotide variant.
Coding change: c.170G>A on transcript NM_006371.5 (MANE Select); coding-DNA position 170, G replaced by A.
Protein change: p.Gly57Asp; replaces glycine 57 with aspartic acid.
Molecular consequence: missense variant.
Genome position (GRCh38, 1-based): chr3:33,114,247, G>A. VCF-style: chr3-33114247-G-A. GRCh37 (hg19) VCF-style: chr3-33155739-G-A.
Other names: short protein forms G57D.
Identifiers: ClinVar variation 845981 (VCV000845981.4), dbSNP rs747689884, ClinGen allele CA2300220.
Genomic context (GRCh38, chr3:33,114,247, plus strand): 5'-CACGGGACGAGCTGATGCCGCTCGAGTCGGCCTACCGGCACGCGCTGGACAAGTACAGCG[G>A]CGAGCACTGGGCCGAGAGCGTGGGCTACCTGGAGATCAGCCTGCGGCTGCACCGCTTGCT-3'
Protein context (NP_006362.1, residues 47-67): AYRHALDKYS[Gly57Asp]EHWAESVGYL

ClinVar aggregate classification (germline): Uncertain significance (1 of 4 stars; one submission).

Conditions:
Osteogenesis imperfecta type 7 (OI7). Also called: Osteogenesis imperfecta type 2B; OI type 2B; Osteogenesis imperfecta, perinatal lethal autosomal recessive; OI type IIB; OSTEOGENESIS IMPERFECTA, TYPE IIB; OI type 7. Identifiers: MedGen C1853162, MONDO:0012536, OMIM 610682.

Allele frequency attached by ClinVar (database versions not stated): gnomAD exomes 0.00001; ExAC 0.00002.

Submission:

Labcorp Genetics (formerly Invitae), Labcorp
Classification: Uncertain significance for Osteogenesis imperfecta type 7. Last evaluated: 2021-08-30. Review status: criteria provided, single submitter. Criteria: Invitae Variant Classification Sherloc (09022015). Collection method: clinical testing. Allele origin: germline.
Comment: This sequence change replaces glycine with aspartic acid at codon 57 of the CRTAP protein (p.Gly57Asp). The glycine residue is moderately conserved and there is a moderate physicochemical difference between glycine and aspartic acid. This variant is present in population databases (rs747689884, ExAC 0.009%). This variant has not been reported in the literature in individuals affected with CRTAP-related conditions. Algorithms developed to predict the effect of missense changes on protein structure and function (SIFT, PolyPhen-2, Align-GVGD) all suggest that this variant is likely to be tolerated. In summary, the available evidence is currently insufficient to determine the role of this variant in disease. Therefore, it has been classified as a Variant of Uncertain Significance.